The following is an entry in ClinVar:

NM_001371986.1(UNC80):c.9760C>A (p.Gln3254Lys)

Gene: UNC80 (unc-80 subunit of NALCN channel complex; plus strand). Cytogenetic location: 2q34.
Variant type: single nucleotide variant.
Coding change: c.9760C>A on transcript NM_001371986.1 (MANE Select); coding-DNA position 9760, C replaced by A.
Protein change: p.Gln3254Lys; replaces glutamine 3254 with lysine.
Molecular consequence: missense variant.
Genome position (GRCh38, 1-based): chr2:209,995,380, C>A. VCF-style: chr2-209995380-C-A. GRCh37 (hg19) VCF-style: chr2-210860104-C-A.
Other names: c.9562C>A, p.Gln3188Lys (NM_032504.2); c.9490C>A, p.Gln3164Lys (NM_182587.4); short protein forms Q3254K, Q3164K, Q3188K.
Identifiers: ClinVar variation 718730 (VCV000718730.60), dbSNP rs189916631, ClinGen allele CA2083712.
Genomic context (GRCh38, chr2:209,995,380, plus strand): 5'-TGATCACAGAGTGAGAACTTCCCCACTGAAGAAGGAGAAAAGGAGGAGGACACAGAAGCA[C>A]AAGGTGCTACTGCACACAGTCCACTCTCTGCCCAACTCTCTGACCCTGATGACTTCACAG-3'
Protein context (NP_001358915.1, residues 3244-3264): EGEKEEDTEA[Gln3254Lys]GATAHSPLSA

ClinVar aggregate classification (germline): Conflicting classifications of pathogenicity. Review status: criteria provided, conflicting classifications (1 of 4 stars). 9 submissions from 9 submitters: Uncertain significance (2); Likely benign (6). 1 of the submissions does not count toward it. Last evaluated 2026-02-02.

Conditions:
Hypotonia, infantile, with psychomotor retardation and characteristic facies 2 (IHPRF2). Also called: UNC80 Deficiency. Identifiers: Orphanet 371364, Orphanet 700333, MedGen C4225203, MONDO:0014777, OMIM 616801.
UNC80-related disorder. Also called: UNC80-related condition.
Inborn genetic diseases. Identifiers: MedGen C0950123, MeSH D030342.

Allele frequency attached by ClinVar (database versions not stated): 1000 Genomes Project 0.00040; 1000 Genomes Project 30x 0.00047; gnomAD 0.00090 and 0.00095; TOPMed 0.00094; gnomAD exomes 0.00107 and 0.00133; ESP Exome Variant Server 0.00131; ExAC 0.00141.
gnomAD v4.1: 2,011 of 1,552,160 alleles (0.13%); highest among the groups gnomAD compares: Non-Finnish European, 0.15%; 3 homozygotes.

Submissions (9):

Labcorp Genetics (formerly Invitae), Labcorp
Classification: Likely benign. Last evaluated: 2026-02-02. Review status: criteria provided, single submitter. Criteria: Invitae Variant Classification Sherloc (09022015). Collection method: clinical testing. Allele origin: germline.

Blueprint Genetics
Classification: Likely benign. Last evaluated: 2024-10-24. Review status: criteria provided, single submitter. Criteria: ACMG Guidelines, 2015. Collection method: clinical testing. Allele origin: germline.

ARUP Laboratories, Molecular Genetics and Genomics, ARUP Laboratories
Classification: Likely benign for Hypotonia, infantile, with psychomotor retardation and characteristic facies 2. Last evaluated: 2024-05-09. Review status: criteria provided, single submitter. Criteria: ARUP Molecular Germline Variant Investigation Process 2024. Collection method: clinical testing. Allele origin: germline.

Ambry Genetics
Classification: Likely benign for Inborn genetic diseases. Last evaluated: 2021-10-26. Review status: criteria provided, single submitter. Criteria: Ambry Variant Classification Scheme 2023. Collection method: clinical testing. Allele origin: germline.

Revvity Omics, Revvity
Classification: Uncertain significance for Hypotonia, infantile, with psychomotor retardation and characteristic facies 2. Last evaluated: 2021-08-16. Review status: criteria provided, single submitter. Criteria: ACMG Guidelines, 2015. Collection method: clinical testing. Allele origin: germline.

CeGaT Center for Human Genetics Tuebingen
Classification: Likely benign. Last evaluated: 2020-03-01. Review status: criteria provided, single submitter. Criteria: CeGaT Center For Human Genetics Tuebingen Variant Classification Criteria Version 2. Collection method: clinical testing. Allele origin: germline. Affected: yes. Observed: 1 variant allele.

Knight Diagnostic Laboratories, Oregon Health and Sciences University
Classification: Likely benign for Hypotonia, infantile, with psychomotor retardation and characteristic facies 2. Last evaluated: 2018-08-10. Review status: criteria provided, single submitter. Criteria: ACMG Guidelines, 2015. Collection method: clinical testing. Allele origin: germline. Observed: 1 variant allele.

Baylor Genetics
Classification: Uncertain significance for Hypotonia, infantile, with psychomotor retardation and characteristic facies 2. Last evaluated: 2018-05-14. Review status: criteria provided, single submitter. Criteria: ACMG Guidelines, 2015. Collection method: clinical testing. Allele origin: maternal. Affected: yes.
Comment: This variant was determined to be of uncertain significance according to ACMG Guidelines, 2015 [PMID:25741868].

PreventionGenetics, part of Exact Sciences
Classification: Likely benign for UNC80-related condition. Last evaluated: 2019-09-12. Review status: no assertion criteria provided. Collection method: clinical testing. Allele origin: germline. Not counted in ClinVar's aggregate classification.
Comment: This variant is classified as likely benign based on ACMG/AMP sequence variant interpretation guidelines (Richards et al. 2015 PMID: 25741868, with internal and published modifications).